The following is an entry in ClinVar:

ClinVar aggregate classification (germline): Benign/Likely benign. Review status: criteria provided, multiple submitters, no conflicts (2 of 4 stars). 7 submissions from 4 submitters: Benign (6); Likely benign (1). Last evaluated 2026-09-01.

Conditions:
Autosomal recessive limb-girdle muscular dystrophy type 2J (LGMDR10). Also called: Limb-girdle muscular dystrophy, type 2J; MUSCULAR DYSTROPHY, LIMB-GIRDLE, AUTOSOMAL RECESSIVE 10. Identifiers: Orphanet 140922, MedGen C1837342, MONDO:0012127, OMIM 608807.
Dilated cardiomyopathy 1G (CMD1G). Identifiers: Orphanet 154, MedGen C1858763, MONDO:0011400, OMIM 604145.
Early-onset myopathy with fatal cardiomyopathy (CMYO5). Also called: CONGENITAL MYOPATHY 5 WITH CARDIOMYOPATHY; Salih Myopathy. Identifiers: Orphanet 289377, MedGen C2673677, MONDO:0012714, OMIM 611705. Disease mechanism: loss of function.
Myopathy, myofibrillar, 9, with early respiratory failure (MFM9). Also called: Hereditary myopathy with early respiratory failure; Myopathy, distal, with early respiratory failure, autosomal dominant; EDSTROM MYOPATHY; MYOPATHY, PROXIMAL, WITH EARLY RESPIRATORY MUSCLE INVOLVEMENT. Identifiers: Orphanet 178464, Orphanet 34521, MedGen C1863599, MONDO:0011362, OMIM 603689.
Tibial muscular dystrophy (TMD). Also called: Tibial muscular dystrophy, tardive; Udd Distal Myopathy – Tibial Muscular Dystrophy; UDD MYOPATHY. Identifiers: Orphanet 609, MedGen C1838244, MONDO:0010870, OMIM 600334.

Allele frequency attached by ClinVar (database versions not stated): gnomAD 0.00016; TOPMed 0.00032; 1000 Genomes Project 0.00040; 1000 Genomes Project 30x 0.00047; gnomAD exomes 0.00047 and 0.00112; ExAC 0.00098.

Submissions (7):

CeGaT Center for Human Genetics Tuebingen
Classification: Benign. Last evaluated: 2026-09-01. Review status: criteria provided, single submitter. Criteria: CeGaT Center For Human Genetics Tuebingen Variant Classification Criteria Version 2. Collection method: clinical testing. Allele origin: germline. Affected: yes. Observed: 7 variant alleles.
Comment: TTN: BS1, BS2

Athena Diagnostics
Classification: Benign. Last evaluated: 2025-09-15. Review status: criteria provided, single submitter. Criteria: Athena Diagnostics Criteria. Collection method: clinical testing. Allele origin: unknown.
Comment: The frequency of this variant in the general population is higher than would generally be expected for pathogenic variants in this gene. Computational tools yielded predictions that this variant is unlikely to have an effect on normal RNA splicing. This nucleotide position exhibits low evolutionary conservation.

Labcorp Genetics (formerly Invitae), Labcorp
Classification: Likely benign for Dilated cardiomyopathy 1G; Autosomal recessive limb-girdle muscular dystrophy type 2J. Last evaluated: 2024-02-26. Review status: criteria provided, single submitter. Criteria: Invitae Variant Classification Sherloc (09022015). Collection method: clinical testing. Allele origin: germline.

Genome-Nilou Lab
Classification: Benign for Autosomal recessive limb-girdle muscular dystrophy type 2J. Last evaluated: 2021-09-10. Review status: criteria provided, single submitter. Criteria: ACMG Guidelines, 2015. Collection method: clinical testing. Allele origin: germline. Affected: no.

Genome-Nilou Lab
Classification: Benign for Myopathy, myofibrillar, 9, with early respiratory failure. Last evaluated: 2021-09-10. Review status: criteria provided, single submitter. Criteria: ACMG Guidelines, 2015. Collection method: clinical testing. Allele origin: germline. Affected: no.

Genome-Nilou Lab
Classification: Benign for Early-onset myopathy with fatal cardiomyopathy. Last evaluated: 2021-09-10. Review status: criteria provided, single submitter. Criteria: ACMG Guidelines, 2015. Collection method: clinical testing. Allele origin: germline. Affected: no.

Genome-Nilou Lab
Classification: Benign for Tibial muscular dystrophy. Last evaluated: 2021-09-10. Review status: criteria provided, single submitter. Criteria: ACMG Guidelines, 2015. Collection method: clinical testing. Allele origin: germline. Affected: no.

NM_001267550.2(TTN):c.37956G>T (p.Val12652=)

Gene: TTN (titin; minus strand). Cytogenetic location: 2q31.2.
Variant type: single nucleotide variant.
Coding change: c.37956G>T on transcript NM_001267550.2 (MANE Select); coding-DNA position 37956, G replaced by T.
Protein change: p.Val12652=; no amino-acid change (valine 12652 retained).
Molecular consequence: synonymous variant. On other transcripts: intron variant (5).
Genome position (GRCh38, 1-based): chr2:178,657,580, C>A on the plus strand (G>T on the coding strand, the complement: TTN is on the minus strand). VCF-style: chr2-178657580-C-A. GRCh37 (hg19) VCF-style: chr2-179522307-C-A.
Other names: c.13283-15263G>T (NM_003319.4); c.13859-15263G>T (NM_133437.4); c.13658-15263G>T (NM_133432.3); c.31741+1425G>T (NM_133378.4); c.34522+1425G>T (NM_001256850.1).
Identifiers: ClinVar variation 413179 (VCV000413179.23), dbSNP rs541757326, ClinGen allele CA1997212.